The following is an entry in ClinVar:

ClinVar aggregate classification (germline): Likely benign (1 of 4 stars; one submission).

gnomAD v4.1: 35 of 1,614,138 alleles (0.0022%); highest among the groups gnomAD compares: Middle Eastern, 0.082%; no homozygotes.

Submission:

CeGaT Center for Human Genetics Tuebingen
Classification: Likely benign. Last evaluated: 2025-06-01. Review status: criteria provided, single submitter. Criteria: CeGaT Center For Human Genetics Tuebingen Variant Classification Criteria Version 2. Collection method: clinical testing. Allele origin: germline. Affected: yes. Observed: 1 variant allele.
Comment: FSHR: BP4, BP7

NM_000145.4(FSHR):c.1317G>A (p.Gly439=)

Gene: FSHR (follicle stimulating hormone receptor; minus strand). Cytogenetic location: 2p16.3.
Variant type: single nucleotide variant.
Coding change: c.1317G>A on transcript NM_000145.4 (MANE Select); coding-DNA position 1317, G replaced by A.
Protein change: p.Gly439=; no amino-acid change (glycine 439 retained).
Molecular consequence: synonymous variant.
Genome position (GRCh38, 1-based): chr2:48,963,504, C>T on the plus strand (G>A on the coding strand, the complement: FSHR is on the minus strand). VCF-style: chr2-48963504-C-T. GRCh37 (hg19) VCF-style: chr2-49190643-C-T.
Other names: c.1239G>A, p.Gly413= (NM_181446.3).
Identifiers: ClinVar variation 3905297 (VCV003905297.10).